The following is an entry in ClinVar:

NM_000455.5(STK11):c.1184C>T (p.Thr395Ile)

Gene: STK11 (serine/threonine kinase 11; plus strand). Cytogenetic location: 19p13.3.
Variant type: single nucleotide variant.
Coding change: c.1184C>T on transcript NM_000455.5 (MANE Select); coding-DNA position 1184, C replaced by T.
Protein change: p.Thr395Ile; replaces threonine 395 with isoleucine.
Molecular consequence: missense variant. On other transcripts: non-coding transcript variant (1).
Genome position (GRCh38, 1-based): chr19:1,226,529, C>T. VCF-style: chr19-1226529-C-T. GRCh37 (hg19) VCF-style: chr19-1226528-C-T.
Other names: short protein forms T395I.
Identifiers: ClinVar variation 2474623 (VCV002474623.3), dbSNP rs770011294, ClinGen allele CA045790.
Genomic context (GRCh38, chr19:1,226,529, plus strand): 5'-AGGAGGCCAGTCACAATGGACAGCGCCGGGGCCTCCCCAAGGCCGTGTGTATGAACGGCA[C>T]AGAGGCGGCGCAGCTGAGCACCAAATCCAGGGCGGAGGGCCGGGCCCCCAACCCTGCCCG-3'
Protein context (NP_000446.1, residues 385-405): GLPKAVCMNG[Thr395Ile]EAAQLSTKSR

ClinVar aggregate classification (germline): Uncertain significance. Review status: criteria provided, multiple submitters, no conflicts (2 of 4 stars). 2 submissions from 2 submitters: Uncertain significance (2). Last evaluated 2023-11-27.

Conditions:
Peutz-Jeghers syndrome (PJS). Also called: POLYPOSIS, HAMARTOMATOUS INTESTINAL; POLYPS-AND-SPOTS SYNDROME; Peutz-Jeghers polyposis; Periorificial lentiginosis syndrome. Identifiers: Orphanet 2869, MedGen C0031269, MeSH D010580, MONDO:0008280, OMIM 175200.
Hereditary cancer-predisposing syndrome. Also called: Hereditary neoplastic syndrome; Tumor predisposition; Neoplastic Syndromes, Hereditary; Hereditary Cancer Syndrome. Identifiers: Orphanet 140162, MedGen C0027672, MeSH D009386, MONDO:0015356.

Allele frequency attached by ClinVar (database versions not stated): gnomAD exomes below 0.00001; ExAC 0.00001.
gnomAD v4.1: 4 of 1,608,344 alleles (0.00025%); highest among the groups gnomAD compares: Non-Finnish European, 0.00034%; no homozygotes.

Submissions (2):

Department of Pathology and Laboratory Medicine, Sinai Health System
Classification: Uncertain significance for Peutz-Jeghers syndrome. Last evaluated: 2023-11-27. Review status: criteria provided, single submitter. Criteria: ACMG Guidelines, 2015. Collection method: clinical testing. Allele origin: germline. Affected: yes.

Ambry Genetics
Classification: Uncertain significance for Hereditary cancer-predisposing syndrome. Last evaluated: 2023-01-04. Review status: criteria provided, single submitter. Criteria: Ambry Variant Classification Scheme 2023. Collection method: clinical testing. Allele origin: germline.
Comment: The p.T395I variant (also known as c.1184C>T), located in coding exon 9 of the STK11 gene, results from a C to T substitution at nucleotide position 1184. The threonine at codon 395 is replaced by isoleucine, an amino acid with similar properties. This amino acid position is well conserved in available vertebrate species. In addition, the in silico prediction for this alteration is inconclusive. Since supporting evidence is limited at this time, the clinical significance of this alteration remains unclear.